The following is an entry in ClinVar:

ClinVar aggregate classification (germline): Likely pathogenic (1 of 4 stars; one submission).

Conditions:
Renal tubular dysgenesis of genetic origin. Also called: PRIMITIVE RENAL TUBULE SYNDROME. Identifiers: Orphanet 97369, MedGen C5681536, MONDO:0009970, OMIM 267430.

gnomAD v4.1: 2 of 1,613,868 alleles (0.00012%); highest among the groups gnomAD compares: African/African-American, 0.0013%; no homozygotes.

Submission:

3billion
Classification: Likely pathogenic for Renal tubular dysgenesis of genetic origin. Last evaluated: 2024-09-25. Review status: criteria provided, single submitter. Criteria: ACMG Guidelines, 2015. Collection method: clinical testing. Allele origin: germline. Affected: yes.
Comment: The variant is observed at an extremely low frequency in the gnomAD v4.0.0 dataset (total allele frequency: <0.001%). Predicted Consequence/Location: Stop-gained (nonsense): predicted to result in a loss or disruption of normal protein function through nonsense-mediated decay (NMD) or protein truncation. Multiple pathogenic variants are reported downstream of the variant. Therefore, this variant is classified as Likely pathogenic according to the recommendation of ACMG/AMP guideline.

NM_001384479.1(AGT):c.876G>A (p.Trp292Ter)

Gene: AGT (angiotensinogen; minus strand). Cytogenetic location: 1q42.2.
Variant type: single nucleotide variant.
Coding change: c.876G>A on transcript NM_001384479.1 (MANE Select); coding-DNA position 876, G replaced by A.
Protein change: p.Trp292Ter; replaces tryptophan 292 with a stop codon.
Molecular consequence: nonsense.
Genome position (GRCh38, 1-based): chr1:230,706,154, C>T on the plus strand (G>A on the coding strand, the complement: AGT is on the minus strand). VCF-style: chr1-230706154-C-T. GRCh37 (hg19) VCF-style: chr1-230841900-C-T.
Other names: c.876G>A, p.Trp292Ter (NM_001382817.3); short protein forms W292*.
Identifiers: ClinVar variation 4292985 (VCV004292985.1).